The following is an entry in ClinVar:

ClinVar aggregate classification (germline): Conflicting classifications of pathogenicity. Review status: criteria provided, conflicting classifications (1 of 4 stars). 2 submissions from 2 submitters: Pathogenic (1); Uncertain significance (1). Last evaluated 2026-07-29.

Conditions:
Cardiovascular phenotype. Identifiers: MedGen CN230736.

Submissions (2):

Ambry Genetics
Classification: Uncertain significance for Cardiovascular phenotype. Last evaluated: 2026-07-29. Review status: criteria provided, single submitter. Criteria: Ambry Variant Classification Scheme 2023. Collection method: clinical testing. Allele origin: germline.
Comment: The p.T613S variant (also known as c.1837A>T), located in coding exon 7 of the KCNH2 gene, results from an A to T substitution at nucleotide position 1837. The threonine at codon 613 is replaced by serine, an amino acid with similar properties. This amino acid position is highly conserved in available vertebrate species. In addition, this alteration is predicted to be deleterious by in silico analysis. Based on the available evidence, the clinical significance of this variant remains unclear.

GeneDx
Classification: Pathogenic. Last evaluated: 2014-09-12. Review status: criteria provided, single submitter. Criteria: GeneDx Variant Classification (06012015). Collection method: clinical testing. Allele origin: germline. Affected: yes.
Comment: p.Thr613Ser (ACG>TCG): c.1837 A>T in exon 7 of the KCNH2 gene (NM_000238.2). While the T613S mutation in the KCNH2 gene has not been reported to our knowledge, mutations affecting this same residue, (T613K, T613M), have been reported in association with LQTS (Cuneo et al., 2013; Jongbloed et al., 1999). Additionally, mutations in nearby residues (Y611H, V612M, A614V, L615V, Y616C) have been reported in association with LQTS, further supporting the functional importance of this residue and this region of the protein. T613S results in a conservative amino acid substitution of Threonine at a position that is conserved across species. In silico analysis predicts T613S is probably damaging to to the protein structure/function. Furthermore, T613S was not observed in approximately 6,500 individuals of European and African American ancestry in the NHLBI Exome Sequencing Project, indicating it is not a common benign variant in these populations. In summary, T613S in the KCNH2 gene is interpreted as a likely disease-causing mutation. The variant is found in LQT panel(s).

NM_000238.4(KCNH2):c.1837A>T (p.Thr613Ser)

Gene: KCNH2 (potassium voltage-gated channel subfamily H member 2; minus strand). Cytogenetic location: 7q36.1.
Variant type: single nucleotide variant.
Coding change: c.1837A>T on transcript NM_000238.4 (MANE Select); coding-DNA position 1837, A replaced by T.
Protein change: p.Thr613Ser; replaces threonine 613 with serine.
Molecular consequence: missense variant.
Genome position (GRCh38, 1-based): chr7:150,951,556, T>A on the plus strand (A>T on the coding strand, the complement: KCNH2 is on the minus strand). VCF-style: chr7-150951556-T-A. GRCh37 (hg19) VCF-style: chr7-150648644-T-A.
Other names: p.T613S:ACG>TCG; c.817A>T, p.Thr273Ser (NM_001204798.2, NM_172057.3); c.1549A>T, p.Thr517Ser (NM_001406753.1, NM_001406756.1); c.1660A>T, p.Thr554Ser (NM_001406755.1); c.1537A>T, p.Thr513Ser (NM_001406757.1); c.1837A>T, p.Thr613Ser (NM_172056.3); short protein forms T273S, T613S, T513S, T517S, T554S.
Identifiers: ClinVar variation 200743 (VCV000200743.5), dbSNP rs794728485, ClinGen allele CA005641.